The following is an entry in ClinVar:

NM_000047.3(ARSL):c.898G>A (p.Val300Ile)

Gene: ARSL (arylsulfatase L; minus strand). Cytogenetic location: Xp22.33.
Variant type: single nucleotide variant.
Coding change: c.898G>A on transcript NM_000047.3 (MANE Select); coding-DNA position 898, G replaced by A.
Protein change: p.Val300Ile; replaces valine 300 with isoleucine.
Molecular consequence: missense variant.
Genome position (GRCh38, 1-based): chrX:2,946,091, C>T on the plus strand (G>A on the coding strand, the complement: ARSL is on the minus strand). VCF-style: chrX-2946091-C-T. GRCh37 (hg19) VCF-style: chrX-2864132-C-T.
Other names: p.Val325Ile; NC_000023.10:g.2864132C>T; c.973G>A, p.Val325Ile (NM_001282628.2, NM_001369080.1); c.736G>A, p.Val246Ile (NM_001282631.2); c.925G>A, p.Val309Ile (NM_001369079.1); short protein forms V300I, V325I, V246I, V309I.
Identifiers: ClinVar variation 816918 (VCV000816918.5), dbSNP rs752354785, ClinGen allele CA10338124.

ClinVar aggregate classification (germline): Uncertain significance. Review status: criteria provided, multiple submitters, no conflicts (2 of 4 stars). 3 submissions from 3 submitters: Uncertain significance (3). Last evaluated 2021-03-11.

Conditions:
X-linked chondrodysplasia punctata 1 (CDPX1). Also called: CHONDRODYSPLASIA PUNCTATA, BRACHYTELEPHALANGIC; Chondrodysplasia punctata, X-linked recessive. Identifiers: Orphanet 79345, MedGen C3669395, MONDO:0010555, OMIM 302950.

Allele frequency attached by ClinVar (database versions not stated): ExAC 0.00001; gnomAD exomes 0.00001.

Submissions (4):

Blueprint Genetics
Classification: Uncertain significance. Last evaluated: 2021-03-11. Review status: criteria provided, single submitter. Criteria: ACMG Guidelines, 2015. Collection method: clinical testing. Allele origin: germline.

Genomic Medicine Lab, University of California San Francisco
Classification: Uncertain significance for X-linked chondrodysplasia punctata 1. Last evaluated: 2019-01-03. Review status: criteria provided, single submitter. Criteria: ACMG Guidelines, 2015. Collection method: clinical testing. Allele origin: maternal. Inheritance: X-linked inheritance. Study: CSER.

Clinical Genetics Laboratory, Christian Medical College, Vellore
Classification: Uncertain significance for X-linked chondrodysplasia punctata 1. Review status: criteria provided, single submitter. Criteria: ACMG Guidelines, 2015. Collection method: clinical testing. Allele origin: germline. Inheritance: X-linked recessive inheritance. Affected: yes. Observed: 1 hemizygote.
Comment: However no functional evidence to classify as likely pathogenic.

Dr. Peter K. Rogan Lab, Western University
No classification provided (evidence only). Condition: Colon adenocarcinoma. Review status: no classification provided. Collection method: in vitro. Allele origin: not applicable. Functional consequence: retained intron. Not counted in ClinVar's aggregate classification.